The following is an entry in ClinVar:

NM_001161352.2(KCNMA1):c.1929-6G>A

Gene: KCNMA1 (potassium calcium-activated channel subfamily M alpha 1; minus strand). Cytogenetic location: 10q22.3.
Variant type: single nucleotide variant.
Coding change: c.1929-6G>A on transcript NM_001161352.2 (MANE Select); 6 bases into the intron before coding-DNA position 1929, G replaced by A.
Molecular consequence: intron variant.
Genome position (GRCh38, 1-based): chr10:77,019,105, C>T on the plus strand (G>A on the coding strand, the complement: KCNMA1 is on the minus strand). VCF-style: chr10-77019105-C-T. GRCh37 (hg19) VCF-style: chr10-78778863-C-T.
Other names: c.1779-6G>A (NM_001271518.2); c.1929-6G>A (NM_001322832.2, NM_001322829.2, NM_002247.4 and 3 more transcripts); c.1941-6G>A (NM_001014797.3, NM_001322835.2, NM_001322830.2 and 1 more transcripts); c.1389-6G>A (NM_001322838.2).
Identifiers: ClinVar variation 1499243 (VCV001499243.6), dbSNP rs2092525713, ClinGen allele CA2573145999.
Genomic context (GRCh38, chr10:77,019,105, plus strand): 5'-AAATCCTAAAGTACCTTCTTGGATCTTAAGATGGTTTCCAGGATTAATTAATATACTGCT[C>T]AGTGAACAAAAACAAACAGAGAAGATACATTTGTGAGGTCATGTTCTGAATAAAACCTTG-3'

ClinVar aggregate classification (germline): Uncertain significance (1 of 4 stars; one submission).

Conditions:
Generalized epilepsy-paroxysmal dyskinesia syndrome (PNKD3). Also called: Generalized epilepsy and paroxysmal dyskinesia; Paroxysmal nonkinesigenic dyskinesia, 3, with or without generalized epilepsy. Identifiers: Orphanet 79137, MedGen C5574945, MONDO:0012276, OMIM 609446.

Submission:

Labcorp Genetics (formerly Invitae), Labcorp
Classification: Uncertain significance for Generalized epilepsy-paroxysmal dyskinesia syndrome. Last evaluated: 2022-09-08. Review status: criteria provided, single submitter. Criteria: Invitae Variant Classification Sherloc (09022015). Collection method: clinical testing. Allele origin: germline.
Comment: In summary, the available evidence is currently insufficient to determine the role of this variant in disease. Therefore, it has been classified as a Variant of Uncertain Significance. Algorithms developed to predict the effect of sequence changes on RNA splicing suggest that this variant may create or strengthen a splice site. ClinVar contains an entry for this variant (Variation ID: 1499243). This variant has not been reported in the literature in individuals affected with KCNMA1-related conditions. This variant is not present in population databases (gnomAD no frequency). This sequence change falls in intron 16 of the KCNMA1 gene. It does not directly change the encoded amino acid sequence of the KCNMA1 protein.